The following is an entry in ClinVar:

ClinVar aggregate classification (germline): Uncertain significance (1 of 4 stars; one submission).

Conditions:
Developmental and epileptic encephalopathy, 11 (DEE11). Also called: Early infantile epileptic encephalopathy 11. Identifiers: Orphanet 1934, MedGen C3150987, MONDO:0013388, OMIM 613721.
Seizures, benign familial infantile, 3 (BFIS3). Also called: CONVULSIONS, BENIGN FAMILIAL INFANTILE, 3; Familial neonatal seizures. Identifiers: Orphanet 140927, Orphanet 306, MedGen C1843140, MONDO:0011904, OMIM 607745.

Submission:

Labcorp Genetics (formerly Invitae), Labcorp
Classification: Uncertain significance for Seizures, benign familial infantile, 3; Developmental and epileptic encephalopathy, 11. Last evaluated: 2025-01-29. Review status: criteria provided, single submitter. Criteria: Invitae Variant Classification Sherloc (09022015). Collection method: clinical testing. Allele origin: germline.
Comment: This sequence change replaces alanine, which is neutral and non-polar, with valine, which is neutral and non-polar, at codon 1885 of the SCN2A protein (p.Ala1885Val). This variant is not present in population databases (gnomAD no frequency). This variant has not been reported in the literature in individuals affected with SCN2A-related conditions. ClinVar contains an entry for this variant (Variation ID: 464916). Invitae Evidence Modeling of protein sequence and biophysical properties (such as structural, functional, and spatial information, amino acid conservation, physicochemical variation, residue mobility, and thermodynamic stability) has been performed for this missense variant. However, the output from this modeling did not meet the statistical confidence thresholds required to predict the impact of this variant on SCN2A protein function. In summary, the available evidence is currently insufficient to determine the role of this variant in disease. Therefore, it has been classified as a Variant of Uncertain Significance.

NM_001040142.2(SCN2A):c.5654C>T (p.Ala1885Val)

Gene: SCN2A (sodium voltage-gated channel alpha subunit 2; plus strand). Cytogenetic location: 2q24.3.
Variant type: single nucleotide variant.
Coding change: c.5654C>T on transcript NM_001040142.2 (MANE Select); coding-DNA position 5654, C replaced by T.
Protein change: p.Ala1885Val; replaces alanine 1885 with valine.
Molecular consequence: missense variant.
Genome position (GRCh38, 1-based): chr2:165,389,460, C>T. VCF-style: chr2-165389460-C-T. GRCh37 (hg19) VCF-style: chr2-166245970-C-T.
Other names: c.5654C>T, p.Ala1885Val (NM_001040143.2, NM_001371246.1, NM_001371247.1 and 1 more transcripts); short protein forms A1885V.
Identifiers: ClinVar variation 464916 (VCV000464916.10), dbSNP rs1553463800, ClinGen allele CA349039673.